The following is an entry in ClinVar:

NM_002878.4(RAD51D):c.610G>A (p.Val204Ile)

Genes: RAD51D (RAD51 paralog D; minus strand), RAD51L3-RFFL (RAD51L3-RFFL readthrough; minus strand). Cytogenetic location: 17q12.
Variant type: single nucleotide variant.
Coding change: c.610G>A on transcript NM_002878.4 (MANE Select); coding-DNA position 610, G replaced by A.
Protein change: p.Val204Ile; replaces valine 204 with isoleucine.
Molecular consequence: missense variant. On other transcripts: non-coding transcript variant (3).
Genome position (GRCh38, 1-based): chr17:35,103,511, C>T on the plus strand (G>A on the coding strand, the complement: RAD51D is on the minus strand). VCF-style: chr17-35103511-C-T. GRCh37 (hg19) VCF-style: chr17-33430530-C-T.
Other names: c.670G>A, p.Val224Ile (NM_001142571.2); c.274G>A, p.Val92Ile (NM_133629.3); short protein forms V204I, V224I, V92I.
Identifiers: ClinVar variation 484787 (VCV000484787.12), dbSNP rs765881830, ClinGen allele CA399087935.

ClinVar aggregate classification (germline): Conflicting classifications of pathogenicity. Review status: criteria provided, conflicting classifications (1 of 4 stars). 2 submissions from 2 submitters: Uncertain significance (1); Likely benign (1). Last evaluated 2021-08-11.

Conditions:
Breast-ovarian cancer, familial, susceptibility to, 4. Identifiers: Orphanet 145, MedGen C3280345, MONDO:0013669, OMIM 614291.
Hereditary cancer-predisposing syndrome. Also called: Neoplastic Syndromes, Hereditary; Tumor predisposition; Hereditary Cancer Syndrome; Hereditary neoplastic syndrome. Identifiers: Orphanet 140162, MedGen C0027672, MeSH D009386, MONDO:0015356.

Submissions (2):

Labcorp Genetics (formerly Invitae), Labcorp
Classification: Uncertain significance for Breast-ovarian cancer, familial, susceptibility to, 4. Last evaluated: 2021-08-11. Review status: criteria provided, single submitter. Criteria: Invitae Variant Classification Sherloc (09022015). Collection method: clinical testing. Allele origin: germline.
Comment: In summary, the available evidence is currently insufficient to determine the role of this variant in disease. Therefore, it has been classified as a Variant of Uncertain Significance. Algorithms developed to predict the effect of missense changes on protein structure and function output the following: SIFT: "Tolerated"; PolyPhen-2: "Benign"; Align-GVGD: "Class C0". The isoleucine amino acid residue is found in multiple mammalian species, suggesting that this missense change does not adversely affect protein function. These predictions have not been confirmed by published functional studies and their clinical significance is uncertain. This variant has not been reported in the literature in individuals with RAD51D-related conditions. ClinVar contains an entry for this variant (Variation ID: 484787). This variant is not present in population databases (ExAC no frequency). This sequence change replaces valine with isoleucine at codon 204 of the RAD51D protein (p.Val204Ile). The valine residue is weakly conserved and there is a small physicochemical difference between valine and isoleucine.

Ambry Genetics
Classification: Likely benign for Hereditary cancer-predisposing syndrome. Last evaluated: 2017-09-07. Review status: criteria provided, single submitter. Criteria: Ambry Variant Classification Scheme 2023. Collection method: clinical testing. Allele origin: germline.